The following is an entry in ClinVar:

ClinVar aggregate classification (germline): Uncertain significance (1 of 4 stars; one submission).

Conditions:
Osteogenesis imperfecta type I (OI1). Also called: Lobstein disease; OI, TYPE I; OSTEOGENESIS IMPERFECTA TARDA; OSTEOGENESIS IMPERFECTA WITH BLUE SCLERAE; Osteogenesis imperfecta type 1; Lobstein's Disease. Identifiers: Orphanet 216796, Orphanet 666, MedGen C0023931, MONDO:0008146, OMIM 166200. Disease mechanism: loss of function.
Ehlers-Danlos syndrome, classic type, 1 (EDSCL1). Also called: EDS I; EHLERS-DANLOS SYNDROME, GRAVIS TYPE; EHLERS-DANLOS SYNDROME, SEVERE CLASSIC TYPE; Ehlers-Danlos syndrome, type 1; Ehlers-Danlos Syndrome, Classic Type, COL5A1-Related. Identifiers: MedGen C0268335, MONDO:0019567, OMIM 130000.

gnomAD v4.1: 8 of 1,613,922 alleles (0.0005%); highest among the groups gnomAD compares: Non-Finnish European, 0.00059%; no homozygotes.

Submission:

Labcorp Genetics (formerly Invitae), Labcorp
Classification: Uncertain significance for Osteogenesis imperfecta type I; Ehlers-Danlos syndrome, classic type, 1. Last evaluated: 2024-04-30. Review status: criteria provided, single submitter. Criteria: Invitae Variant Classification Sherloc (09022015). Collection method: clinical testing. Allele origin: germline.
Comment: This sequence change replaces arginine, which is basic and polar, with proline, which is neutral and non-polar, at codon 1123 of the COL1A2 protein (p.Arg1123Pro). This variant is not present in population databases (gnomAD no frequency). This variant has not been reported in the literature in individuals affected with COL1A2-related conditions. Advanced modeling of protein sequence and biophysical properties (such as structural, functional, and spatial information, amino acid conservation, physicochemical variation, residue mobility, and thermodynamic stability) performed at Invitae indicates that this missense variant is not expected to disrupt COL1A2 protein function with a negative predictive value of 80%. In summary, the available evidence is currently insufficient to determine the role of this variant in disease. Therefore, it has been classified as a Variant of Uncertain Significance.

NM_000089.4(COL1A2):c.3368G>C (p.Arg1123Pro)

Gene: COL1A2 (collagen type I alpha 2 chain; plus strand). Cytogenetic location: 7q21.3.
Variant type: single nucleotide variant.
Coding change: c.3368G>C on transcript NM_000089.4 (MANE Select); coding-DNA position 3368, G replaced by C.
Protein change: p.Arg1123Pro; replaces arginine 1123 with proline.
Molecular consequence: missense variant.
Genome position (GRCh38, 1-based): chr7:94,427,727, G>C. VCF-style: chr7-94427727-G-C. GRCh37 (hg19) VCF-style: chr7-94057039-G-C.
Other names: short protein forms R1123P.
Identifiers: ClinVar variation 2924820 (VCV002924820.3), dbSNP rs145541630, ClinGen allele CA368225826.
Genomic context (GRCh38, chr7:94,427,727, plus strand): 5'-TAAGCGGTGGTGGTTATGACTTTGGTTACGATGGAGACTTCTACAGGGCTGACCAGCCTC[G>C]CTCAGCACCTTCTCTCAGACCCAAGGACTATGAAGTTGATGCTACTCTGAAGTCTCTCAA-3'
Protein context (NP_000080.2, residues 1113-1133): DGDFYRADQP[Arg1123Pro]SAPSLRPKDY